The following is an entry in ClinVar:

NM_016247.4(IMPG2):c.911G>A (p.Gly304Asp)

Gene: IMPG2 (interphotoreceptor matrix proteoglycan 2; minus strand). Cytogenetic location: 3q12.3.
Variant type: single nucleotide variant.
Coding change: c.911G>A on transcript NM_016247.4 (MANE Select); coding-DNA position 911, G replaced by A.
Protein change: p.Gly304Asp; replaces glycine 304 with aspartic acid.
Molecular consequence: missense variant.
Genome position (GRCh38, 1-based): chr3:101,257,771, C>T on the plus strand (G>A on the coding strand, the complement: IMPG2 is on the minus strand). VCF-style: chr3-101257771-C-T. GRCh37 (hg19) VCF-style: chr3-100976615-C-T.
Other names: short protein forms G304D.
Identifiers: ClinVar variation 636177 (VCV000636177.9), dbSNP rs749723076, ClinGen allele CA2519313.

ClinVar aggregate classification (germline): Uncertain significance. Review status: criteria provided, multiple submitters, no conflicts (2 of 4 stars). 3 submissions from 3 submitters: Uncertain significance (2). 1 of the submissions does not count toward it. Last evaluated 2022-07-26.

Conditions:
Macular dystrophy. Identifiers: MedGen C0730292, HP:0007754.

Allele frequency attached by ClinVar (database versions not stated): ExAC 0.00002; gnomAD 0.00002; gnomAD exomes 0.00002 and 0.00003.
gnomAD v4.1: 19 of 1,612,768 alleles (0.0012%); highest among the groups gnomAD compares: Non-Finnish European, 0.000085%; no homozygotes.

Submissions (3):

Labcorp Genetics (formerly Invitae), Labcorp
Classification: Uncertain significance. Last evaluated: 2022-07-26. Review status: criteria provided, single submitter. Criteria: Invitae Variant Classification Sherloc (09022015). Collection method: clinical testing. Allele origin: germline.
Comment: In summary, the available evidence is currently insufficient to determine the role of this variant in disease. Therefore, it has been classified as a Variant of Uncertain Significance. Algorithms developed to predict the effect of missense changes on protein structure and function are either unavailable or do not agree on the potential impact of this missense change (SIFT: "Tolerated"; PolyPhen-2: "Probably Damaging"; Align-GVGD: "Class C15"). ClinVar contains an entry for this variant (Variation ID: 636177). This missense change has been observed in individual(s) with macular dystrophy (PMID: 30718709). This variant is present in population databases (rs749723076, gnomAD 0.03%). This sequence change replaces glycine, which is neutral and non-polar, with aspartic acid, which is acidic and polar, at codon 304 of the IMPG2 protein (p.Gly304Asp).

Blueprint Genetics
Classification: Uncertain significance. Last evaluated: 2019-05-23. Review status: criteria provided, single submitter. Criteria: ACMG Guidelines, 2015. Collection method: clinical testing. Allele origin: germline.

Department of Clinical Genetics, Copenhagen University Hospital, Rigshospitalet
Classification: Likely pathogenic for Macular dystrophy. Last evaluated: 2018-04-01. Review status: no assertion criteria provided. Collection method: research. Allele origin: unknown. Affected: yes. Study: VeluxRD. Not counted in ClinVar's aggregate classification.

Literature cited by the submitters: PubMed 30718709 (cited by Labcorp Genetics (formerly Invitae), Labcorp and Department of Clinical Genetics, Copenhagen University Hospital, Rigshospitalet).